The following is an entry in ClinVar:

NM_001201550.3(CFHR4):c.128A>T (p.Tyr43Phe)

Gene: CFHR4 (complement factor H related 4; plus strand). Cytogenetic location: 1q31.3.
Variant type: single nucleotide variant.
Coding change: c.128A>T on transcript NM_001201550.3 (MANE Select); coding-DNA position 128, A replaced by T.
Protein change: p.Tyr43Phe; replaces tyrosine 43 with phenylalanine.
Molecular consequence: missense variant.
Genome position (GRCh38, 1-based): chr1:196,902,487, A>T. VCF-style: chr1-196902487-A-T. GRCh37 (hg19) VCF-style: chr1-196871617-A-T.
Other names: p.Tyr42Phe; c.125A>T, p.Tyr42Phe (NM_001201551.2); c.128A>T, p.Tyr43Phe (NM_006684.5); short protein forms Y42F, Y43F.
Identifiers: ClinVar variation 1712456 (VCV001712456.3), dbSNP rs202234955, ClinGen allele CA1306743.
Genomic context (GRCh38, chr1:196,902,487, plus strand): 5'-CTTGTGATTTTCCAGAAATTCAACATGGAGGTCTATATTATAAGAGTTTGCGTAGACTAT[A>T]CTTTCCAGCAGCTGCAGGACAATCTTATTCCTATTACTGTGATCAAAATTTTGTGACTCC-3'
Protein context (NP_001188479.1, residues 33-53): GLYYKSLRRL[Tyr43Phe]FPAAAGQSYS

ClinVar aggregate classification (germline): Likely benign. Review status: criteria provided, multiple submitters, no conflicts (2 of 4 stars). 2 submissions from 2 submitters: Likely benign (2). Last evaluated 2025-06-04.

Conditions:
Atypical hemolytic-uremic syndrome. Identifiers: Orphanet 2134, MedGen C2931788, MONDO:0016244.

Allele frequency attached by ClinVar (database versions not stated): TOPMed 0.00011; ExAC 0.00216; 1000 Genomes Project 30x 0.00359; 1000 Genomes Project 0.00419.
gnomAD v4.1: 1,400 of 1,611,966 alleles (0.087%); highest among the groups gnomAD compares: South Asian, 1.4%; 37 homozygotes.

Submissions (2):

Mayo Clinic Laboratories, Mayo Clinic
Classification: Likely benign. Last evaluated: 2025-06-04. Review status: criteria provided, single submitter. Criteria: ACMG Guidelines, 2015. Collection method: clinical testing. Allele origin: germline. Observed: 1 variant allele.
Comment: BS1, BP4_moderate

Genome Diagnostics Laboratory, The Hospital for Sick Children
Classification: Likely benign for Atypical hemolytic-uremic syndrome. Last evaluated: 2021-01-05. Review status: criteria provided, single submitter. Criteria: ACMG Guidelines, 2015. Collection method: clinical testing. Allele origin: germline.

Literature cited by the submitters: PubMed 39247189 (cited by Mayo Clinic Laboratories, Mayo Clinic).